The following is an entry in ClinVar:

NM_000488.4(SERPINC1):c.381T>A (p.Cys127Ter)

Gene: SERPINC1 (serpin family C member 1; minus strand). Cytogenetic location: 1q25.1.
Variant type: single nucleotide variant.
Coding change: c.381T>A on transcript NM_000488.4 (MANE Select); coding-DNA position 381, T replaced by A.
Protein change: p.Cys127Ter; replaces cysteine 127 with a stop codon.
Molecular consequence: nonsense.
Genome position (GRCh38, 1-based): chr1:173,914,580, A>T on the plus strand (T>A on the coding strand, the complement: SERPINC1 is on the minus strand). VCF-style: chr1-173914580-A-T. GRCh37 (hg19) VCF-style: chr1-173883718-A-T.
Other names: c.237T>A, p.Cys79Ter (NM_001365052.2); c.381T>A, p.Cys127Ter (NM_001386302.1, NM_001386304.1, NM_001386305.1 and 1 more transcripts); c.462T>A, p.Cys154Ter (NM_001386303.1); short protein forms C127*, C79*, C154*.
Identifiers: ClinVar variation 1434089 (VCV001434089.8), dbSNP rs2102789590, ClinGen allele CA343777287.

ClinVar aggregate classification (germline): Pathogenic (1 of 4 stars; one submission).

Conditions:
Hereditary antithrombin deficiency (AT3D). Also called: Reduced antithrombin III activity; Antithrombin deficiency; Antithrombin III deficiency; Thrombophilia due to antithrombin III deficiency. Identifiers: Orphanet 82, MedGen C0272375, MONDO:0013144, OMIM 613118, HP:0001976.

Submission:

Labcorp Genetics (formerly Invitae), Labcorp
Classification: Pathogenic for Hereditary antithrombin deficiency. Last evaluated: 2021-05-26. Review status: criteria provided, single submitter. Criteria: Invitae Variant Classification Sherloc (09022015). Collection method: clinical testing. Allele origin: germline.
Comment: For these reasons, this variant has been classified as Pathogenic. This variant has been observed in individual(s) with antithrombin III deficiency (PMID: 27838551). This variant is not present in population databases (ExAC no frequency). This sequence change creates a premature translational stop signal (p.Cys127*) in the SERPINC1 gene. It is expected to result in an absent or disrupted protein product. Loss-of-function variants in SERPINC1 are known to be pathogenic (PMID: 21264449).

Literature cited by the submitters: PubMed 27838551; PubMed 21264449.